The following is an entry in ClinVar:

NM_004484.4(GPC3):c.22G>A (p.Ala8Thr)

Gene: GPC3 (glypican 3; minus strand). Cytogenetic location: Xq26.2.
Variant type: single nucleotide variant.
Coding change: c.22G>A on transcript NM_004484.4 (MANE Select); coding-DNA position 22, G replaced by A.
Protein change: p.Ala8Thr; replaces alanine 8 with threonine.
Molecular consequence: missense variant.
Genome position (GRCh38, 1-based): chrX:133,985,428, C>T on the plus strand (G>A on the coding strand, the complement: GPC3 is on the minus strand). VCF-style: chrX-133985428-C-T. GRCh37 (hg19) VCF-style: chrX-133119455-C-T.
Other names: c.22G>A, p.Ala8Thr (NM_001164617.2, NM_001164618.2, NM_001164619.2); short protein forms A8T.
Identifiers: ClinVar variation 1419899 (VCV001419899.6), dbSNP rs772076246, ClinGen allele CA10520895.

ClinVar aggregate classification (germline): Uncertain significance (1 of 4 stars; one submission).

Conditions:
Wilms tumor 1 (WT1). Also called: Wilms tumor, somatic. Identifiers: Orphanet 654, MedGen CN033288, MONDO:0008679, OMIM 194070.

Allele frequency attached by ClinVar (database versions not stated): gnomAD exomes below 0.00001 and 0.00002; ExAC 0.00012.
gnomAD v4.1: 2 of 1,174,644 alleles (0.00017%); highest among the groups gnomAD compares: Admixed American, 0.005%; no homozygotes.

Submission:

Labcorp Genetics (formerly Invitae), Labcorp
Classification: Uncertain significance for Wilms tumor 1. Last evaluated: 2024-10-16. Review status: criteria provided, single submitter. Criteria: Invitae Variant Classification Sherloc (09022015). Collection method: clinical testing. Allele origin: germline.
Comment: This sequence change replaces alanine, which is neutral and non-polar, with threonine, which is neutral and polar, at codon 8 of the GPC3 protein (p.Ala8Thr). This variant is present in population databases (rs772076246, gnomAD 0.01%). This variant has not been reported in the literature in individuals affected with GPC3-related conditions. ClinVar contains an entry for this variant (Variation ID: 1419899). An algorithm developed to predict the effect of missense changes on protein structure and function (PolyPhen-2) suggests that this variant is likely to be tolerated. In summary, the available evidence is currently insufficient to determine the role of this variant in disease. Therefore, it has been classified as a Variant of Uncertain Significance.